The following is an entry in ClinVar:

ClinVar aggregate classification (germline): Benign/Likely benign. Review status: criteria provided, multiple submitters, no conflicts (2 of 4 stars). 7 submissions from 7 submitters: Benign (6); Likely benign (1). Last evaluated 2026-02-04.

Conditions:
Neutral lipid storage myopathy (NLSDM). Also called: NEUTRAL LIPID STORAGE DISEASE WITHOUT ICHTHYOSIS. Identifiers: Orphanet 98908, MedGen C1853136, MONDO:0012545, OMIM 610717.

Allele frequency attached by ClinVar (database versions not stated): ESP Exome Variant Server 0.02199; gnomAD 0.02691 and 0.03282; TOPMed 0.03234; 1000 Genomes Project 30x 0.09354; 1000 Genomes Project 0.09784.

Submissions (7):

Labcorp Genetics (formerly Invitae), Labcorp
Classification: Benign for Neutral lipid storage myopathy. Last evaluated: 2026-02-04. Review status: criteria provided, single submitter. Criteria: Invitae Variant Classification Sherloc (09022015). Collection method: clinical testing. Allele origin: germline.

Blueprint Genetics
Classification: Likely benign. Last evaluated: 2024-11-27. Review status: criteria provided, single submitter. Criteria: ACMG Guidelines, 2015. Collection method: clinical testing. Allele origin: germline.

Mayo Clinic Laboratories, Mayo Clinic
Classification: Benign. Last evaluated: 2021-10-14. Review status: criteria provided, single submitter. Criteria: ACMG Guidelines, 2015. Collection method: clinical testing. Allele origin: germline. Observed: 65 variant alleles.

GeneDx
Classification: Benign. Last evaluated: 2019-10-16. Review status: criteria provided, single submitter. Criteria: GeneDx Variant Classification Process June 2021. Collection method: clinical testing. Allele origin: germline. Affected: yes.

Illumina Laboratory Services, Illumina
Classification: Benign for Neutral lipid storage myopathy. Last evaluated: 2018-01-13. Review status: criteria provided, single submitter. Criteria: ICSL Variant Classification Criteria 13 December 2019. Collection method: clinical testing. Allele origin: germline.
Comment: This variant was observed in the ICSL laboratory as part of a predisposition screen in an ostensibly healthy population. It had not been previously curated by ICSL or reported in the Human Gene Mutation Database (HGMD: prior to June 1st, 2018), and was therefore a candidate for classification through an automated scoring system. Utilizing variant allele frequency, disease prevalence and penetrance estimates, and inheritance mode, an automated score was calculated to assess if this variant is too frequent to cause the disease. Based on the score and internal cut-off values, a variant classified as benign is not then subjected to further curation. The score for this variant resulted in a classification of benign for this disease.

Breakthrough Genomics
Classification: Benign. Review status: criteria provided, single submitter. Criteria: ACMG Guidelines, 2015. Collection method: not provided. Allele origin: germline. Inheritance: Autosomal recessive inheritance. Affected: yes.

PreventionGenetics, part of Exact Sciences
Classification: Benign. Review status: criteria provided, single submitter. Criteria: ACMG Guidelines, 2015. Collection method: clinical testing. Allele origin: germline.

NM_020376.4(PNPLA2):c.678C>T (p.Leu226=)

Gene: PNPLA2 (patatin like domain 2, triacylglycerol lipase; plus strand). Cytogenetic location: 11p15.5.
Variant type: single nucleotide variant.
Coding change: c.678C>T on transcript NM_020376.4 (MANE Select); coding-DNA position 678, C replaced by T.
Protein change: p.Leu226=; no amino-acid change (leucine 226 retained).
Molecular consequence: synonymous variant.
Genome position (GRCh38, 1-based): chr11:822,588, C>T. VCF-style: chr11-822588-C-T. GRCh37 (hg19) VCF-style: chr11-822588-C-T.
Other names: p.Leu226=.
Identifiers: ClinVar variation 261243 (VCV000261243.21), dbSNP rs10902224, ClinGen allele CA5791082.